The following is an entry in ClinVar:

ClinVar aggregate classification (germline): Uncertain significance (1 of 4 stars; one submission).

Conditions:
Hereditary spastic paraplegia 11. Also called: SPASTIC PARAPLEGIA, AUTOSOMAL RECESSIVE, COMPLICATED, WITH THIN CORPUS CALLOSUM; SPASTIC PARAPLEGIA, AUTOSOMAL RECESSIVE, WITH MENTAL IMPAIRMENT AND THIN CORPUS CALLOSUM; Nakamura Osame syndrome; Autosomal recessive hereditary spastic paraplegia, mental impairment, and thin corpus callosum; Spastic paraplegia, mental retardation and thin corpus callosum; Spastic Paraplegia 11. Identifiers: Orphanet 2822, MedGen C1858479, MONDO:0011445, OMIM 604360.

gnomAD v4.1: 2 of 1,614,176 alleles (0.00012%); highest among the groups gnomAD compares: Non-Finnish European, 0.000085%; no homozygotes.

Submission:

Labcorp Genetics (formerly Invitae), Labcorp
Classification: Uncertain significance for Hereditary spastic paraplegia 11. Last evaluated: 2019-11-16. Review status: criteria provided, single submitter. Criteria: Invitae Variant Classification Sherloc (09022015). Collection method: clinical testing. Allele origin: germline.
Comment: Algorithms developed to predict the effect of missense changes on protein structure and function do not agree on the potential impact of this missense change (SIFT: "Deleterious"; PolyPhen-2: "Benign"; Align-GVGD: "Class C0"). In summary, this variant is a novel missense change with uncertain impact on protein function. It has been classified as a Variant of Uncertain Significance. This variant is not present in population databases (ExAC no frequency) and has not been reported in the literature in individuals with a SPG11-related disease. This sequence change replaces serine with leucine at codon 1919 of the SPG11 protein (p.Ser1919Leu). The serine residue is moderately conserved and there is a large physicochemical difference between serine and leucine.

NM_025137.4(SPG11):c.5756C>T (p.Ser1919Leu)

Gene: SPG11 (SPG11 vesicle trafficking associated, spatacsin; minus strand). Cytogenetic location: 15q21.1.
Variant type: single nucleotide variant.
Coding change: c.5756C>T on transcript NM_025137.4 (MANE Select); coding-DNA position 5756, C replaced by T.
Protein change: p.Ser1919Leu; replaces serine 1919 with leucine.
Molecular consequence: missense variant.
Genome position (GRCh38, 1-based): chr15:44,583,924, G>A on the plus strand (C>T on the coding strand, the complement: SPG11 is on the minus strand). VCF-style: chr15-44583924-G-A. GRCh37 (hg19) VCF-style: chr15-44876122-G-A.
Other names: c.5756C>T, p.Ser1919Leu (NM_001160227.2); short protein forms S1919L.
Identifiers: ClinVar variation 466545 (VCV000466545.10), dbSNP rs1555448839, ClinGen allele CA392221414.